The following is an entry in ClinVar:

ClinVar aggregate classification (germline): Likely benign (1 of 4 stars; one submission).

gnomAD v4.1: 928 of 1,612,556 alleles (0.058%); highest among the groups gnomAD compares: Non-Finnish European, 0.066%; 3 homozygotes.

Submission:

CeGaT Center for Human Genetics Tuebingen
Classification: Likely benign. Last evaluated: 2024-11-01. Review status: criteria provided, single submitter. Criteria: CeGaT Center For Human Genetics Tuebingen Variant Classification Criteria Version 2. Collection method: clinical testing. Allele origin: germline. Affected: yes. Observed: 1 variant allele.
Comment: DNAH17: BP4, BP7

NM_173628.4(DNAH17):c.6432C>G (p.Thr2144=)

Genes: DNAH17 (dynein axonemal heavy chain 17; minus strand), DNAH17-AS1 (DNAH17 antisense RNA 1; plus strand). Cytogenetic location: 17q25.3.
Variant type: single nucleotide variant.
Coding change: c.6432C>G on transcript NM_173628.4 (MANE Select); coding-DNA position 6432, C replaced by G.
Protein change: p.Thr2144=; no amino-acid change (threonine 2144 retained).
Molecular consequence: synonymous variant.
Genome position (GRCh38, 1-based): chr17:78,492,742, G>C on the plus strand (C>G on the coding strand, the complement: DNAH17 is on the minus strand). VCF-style: chr17-78492742-G-C. GRCh37 (hg19) VCF-style: chr17-76488824-G-C.
Identifiers: ClinVar variation 3388336 (VCV003388336.14).